The following is an entry in ClinVar:

ClinVar aggregate classification (germline): Pathogenic/Likely pathogenic. Review status: criteria provided, multiple submitters, no conflicts (2 of 4 stars). 3 submissions from 3 submitters: Pathogenic (1); Likely pathogenic (2). Last evaluated 2026-10-16.

Conditions:
RYR1-related disorder. Also called: RYR1-related disorders; RYR1-related condition. Identifiers: MedGen CN239331.

Allele frequency attached by ClinVar (database versions not stated): ExAC below 0.00001.
gnomAD v4.1: 12 of 1,577,268 alleles (0.00076%); highest among the groups gnomAD compares: Non-Finnish European, 0.001%; no homozygotes.

Submissions (3):

GeneDx
Classification: Likely pathogenic. Last evaluated: 2026-10-16. Review status: criteria provided, single submitter. Criteria: GeneDx Variant Classification Process June 2021. Collection method: clinical testing. Allele origin: germline.
Comment: Observed multiple times, in published literature, in individuals with features consistent with RYR1-related myopathy who also harbored a second RYR1 variant. It is not known whether the variants occurred on the same allele (in cis) or on different alleles (in trans) in these cases (PMID: 27447704, 31127727); Canonical splice site variant predicted to result in an in-frame loss of the adjacent exon in a gene for which loss of function is a known mechanism of disease; Deletions involving coding exons of this gene are a known mechanism of disease (HGMD); Not observed at significant frequency in large population cohorts (gnomAD); This variant is associated with the following publications: (PMID: 31127727, 37937776, 27447704, 34462577)

Labcorp Genetics (formerly Invitae), Labcorp
Classification: Pathogenic for RYR1-related disorder. Last evaluated: 2026-01-06. Review status: criteria provided, single submitter. Criteria: Invitae Variant Classification Sherloc (09022015). Collection method: clinical testing. Allele origin: germline.
Comment: This sequence change affects a donor splice site in intron 23 of the RYR1 gene. It is expected to disrupt RNA splicing. Variants that disrupt the donor or acceptor splice site typically lead to a loss of protein function (PMID: 16199547), and loss-of-function variants in RYR1 are known to be pathogenic (PMID: 23919265, 25960145, 28818389, 30611313). This variant is not present in population databases (gnomAD no frequency). Disruption of this splice site has been observed in individuals with congenital myopathy (PMID: 27447704). ClinVar contains an entry for this variant (Variation ID: 436622). Algorithms developed to predict the effect of sequence changes on RNA splicing suggest that this variant may disrupt the consensus splice site. For these reasons, this variant has been classified as Pathogenic.

Genetic Services Laboratory, University of Chicago
Classification: Likely pathogenic. Last evaluated: 2016-12-07. Review status: criteria provided, single submitter. Criteria: ACMG Guidelines, 2015. Collection method: clinical testing. Allele origin: germline. Affected: yes.

Literature cited by the submitters: PubMed 16199547 (cited by Labcorp Genetics (formerly Invitae), Labcorp); PubMed 23919265 (cited by Labcorp Genetics (formerly Invitae), Labcorp); PubMed 25960145 (cited by Labcorp Genetics (formerly Invitae), Labcorp); PubMed 28818389 (cited by Labcorp Genetics (formerly Invitae), Labcorp); PubMed 30611313 (cited by Labcorp Genetics (formerly Invitae), Labcorp); PubMed 27447704 (cited by Labcorp Genetics (formerly Invitae), Labcorp).

NM_000540.3(RYR1):c.2870+1G>A

Gene: RYR1 (ryanodine receptor 1; plus strand). Cytogenetic location: 19q13.2.
Variant type: single nucleotide variant.
Coding change: c.2870+1G>A on transcript NM_000540.3 (MANE Select); the canonical splice donor site of the intron after coding-DNA position 2870, G replaced by A.
Molecular consequence: splice donor variant.
Genome position (GRCh38, 1-based): chr19:38,464,723, G>A. VCF-style: chr19-38464723-G-A. GRCh37 (hg19) VCF-style: chr19-38955363-G-A.
Other names: c.2870+1G>A (NM_001042723.2).
Identifiers: ClinVar variation 436622 (VCV000436622.18), dbSNP rs765241115, ClinGen allele CA064115.